The following is an entry in ClinVar:

NM_002691.4(POLD1):c.710G>T (p.Gly237Val)

Gene: POLD1 (DNA polymerase delta 1, catalytic subunit; plus strand). Cytogenetic location: 19q13.33.
Variant type: single nucleotide variant.
Coding change: c.710G>T on transcript NM_002691.4 (MANE Select); coding-DNA position 710, G replaced by T.
Protein change: p.Gly237Val; replaces glycine 237 with valine.
Molecular consequence: missense variant. On other transcripts: non-coding transcript variant (1).
Genome position (GRCh38, 1-based): chr19:50,402,325, G>T. VCF-style: chr19-50402325-G-T. GRCh37 (hg19) VCF-style: chr19-50905582-G-T.
Other names: c.710G>T, p.Gly237Val (NM_001256849.1, NM_001308632.1); short protein forms G237V.
Identifiers: ClinVar variation 1938730 (VCV001938730.5), dbSNP rs2038679477, ClinGen allele CA406974459.

ClinVar aggregate classification (germline): Uncertain significance (1 of 4 stars; one submission).

Conditions:
POLD1-related polyposis and colorectal cancer syndrome (CRCS10). Also called: Colorectal cancer 10; COLORECTAL CANCER, SUSCEPTIBILITY TO, ON CHROMOSOME 19q; Colorectal cancer, susceptibility to, 10. Identifiers: Orphanet 220460, MedGen C2675481, MONDO:0012953, OMIM 612591.

Submission:

Labcorp Genetics (formerly Invitae), Labcorp
Classification: Uncertain significance for POLD1-related polyposis and colorectal cancer syndrome. Last evaluated: 2025-06-04. Review status: criteria provided, single submitter. Criteria: Invitae Variant Classification Sherloc (09022015). Collection method: clinical testing. Allele origin: germline.
Comment: This sequence change replaces glycine, which is neutral and non-polar, with valine, which is neutral and non-polar, at codon 237 of the POLD1 protein (p.Gly237Val). This variant is not present in population databases (gnomAD no frequency). This variant has not been reported in the literature in individuals affected with POLD1-related conditions. ClinVar contains an entry for this variant (Variation ID: 1938730). Invitae Evidence Modeling of protein sequence and biophysical properties (such as structural, functional, and spatial information, amino acid conservation, physicochemical variation, residue mobility, and thermodynamic stability) indicates that this missense variant is not expected to disrupt POLD1 protein function with a negative predictive value of 80%. In summary, the available evidence is currently insufficient to determine the role of this variant in disease. Therefore, it has been classified as a Variant of Uncertain Significance.